The following is an entry in ClinVar:

NM_004482.4(GALNT3):c.485G>A (p.Arg162Gln)

Gene: GALNT3 (polypeptide N-acetylgalactosaminyltransferase 3; minus strand). Cytogenetic location: 2q24.3.
Variant type: single nucleotide variant.
Coding change: c.485G>A on transcript NM_004482.4 (MANE Select); coding-DNA position 485, G replaced by A.
Protein change: p.Arg162Gln; replaces arginine 162 with glutamine.
Molecular consequence: missense variant.
Genome position (GRCh38, 1-based): chr2:165,770,216, C>T on the plus strand (G>A on the coding strand, the complement: GALNT3 is on the minus strand). VCF-style: chr2-165770216-C-T. GRCh37 (hg19) VCF-style: chr2-166626726-C-T.
Other names: short protein forms R162Q.
Identifiers: ClinVar variation 1013423 (VCV001013423.41), dbSNP rs766717305, ClinGen allele CA1941232.

ClinVar aggregate classification (germline): Conflicting classifications of pathogenicity. Review status: criteria provided, conflicting classifications (1 of 4 stars). 4 submissions from 4 submitters: Likely pathogenic (2); Uncertain significance (2). Last evaluated 2024-04-22.

Conditions:
GALNT3-related disorder. Also called: GALNT3-related condition.
Tumoral calcinosis, hyperphosphatemic, familial, 1. Also called: HYPEROSTOSIS WITH HYPERPHOSPHATEMIA; HYPEROSTOSIS-HYPERPHOSPHATEMIA SYNDROME; CORTICAL HYPEROSTOSIS WITH HYPERPHOSPHATEMIA; CALCINOSIS, TUMORAL, WITH HYPERPHOSPHATEMIA; LIPOCALCINOGRANULOMATOSIS; MORBUS TEUTSCHLAENDER. Identifiers: Orphanet 53715, MedGen C4692564, MONDO:0100252, OMIM 211900.

Allele frequency attached by ClinVar (database versions not stated): gnomAD exomes 0.00001; ExAC 0.00002; gnomAD 0.00002; TOPMed 0.00003.
gnomAD v4.1: 21 of 1,613,978 alleles (0.0013%); highest among the groups gnomAD compares: Middle Eastern, 0.016%; no homozygotes.

Submissions (4):

Fulgent Genetics
Classification: Uncertain significance for Tumoral calcinosis, hyperphosphatemic, familial, 1. Last evaluated: 2024-04-22. Review status: criteria provided, single submitter. Criteria: ACMG Guidelines, 2015. Collection method: clinical testing. Allele origin: germline.

Blueprint Genetics
Classification: Likely pathogenic for GALNT3-related disorders. Last evaluated: 2022-11-08. Review status: criteria provided, single submitter. Criteria: ACMG Guidelines, 2015. Collection method: clinical testing. Allele origin: germline. Affected: yes. Observed: 3 variant alleles.

Labcorp Genetics (formerly Invitae), Labcorp
Classification: Uncertain significance. Last evaluated: 2022-10-01. Review status: criteria provided, single submitter. Criteria: Invitae Variant Classification Sherloc (09022015). Collection method: clinical testing. Allele origin: germline.
Comment: This sequence change replaces arginine, which is basic and polar, with glutamine, which is neutral and polar, at codon 162 of the GALNT3 protein (p.Arg162Gln). This variant is present in population databases (rs766717305, gnomAD 0.009%). This missense change has been observed in individual(s) with tumoral calcinosis (PMID: 20358599). ClinVar contains an entry for this variant (Variation ID: 1013423). Advanced modeling of protein sequence and biophysical properties (such as structural, functional, and spatial information, amino acid conservation, physicochemical variation, residue mobility, and thermodynamic stability) performed at Invitae indicates that this missense variant is expected to disrupt GALNT3 protein function. In summary, the available evidence is currently insufficient to determine the role of this variant in disease. Therefore, it has been classified as a Variant of Uncertain Significance.

CeGaT Center for Human Genetics Tuebingen
Classification: Likely pathogenic. Last evaluated: 2020-11-01. Review status: criteria provided, single submitter. Criteria: CeGaT Center For Human Genetics Tuebingen Variant Classification Criteria Version 2. Collection method: clinical testing. Allele origin: germline. Affected: yes. Observed: 1 variant allele.

Literature cited by the submitters: PubMed 20358599 (cited by Labcorp Genetics (formerly Invitae), Labcorp).